The following is an entry in ClinVar:

ClinVar aggregate classification (germline): Uncertain significance (1 of 4 stars; one submission).

Conditions:
Myoclonic dystonia 11 (DYT11). Also called: DYT-SGCE; Myoclonic dystonia; Dystonia 11; Dystonia, alcohol responsive; Hereditary essential myoclonus; SGCE Myoclonus-Dystonia. Identifiers: Orphanet 36899, MedGen C1834570, MONDO:0008044, OMIM 159900.

Allele frequency attached by ClinVar (database versions not stated): ExAC 0.00001; gnomAD exomes 0.00002 and 0.00006; TOPMed 0.00002; gnomAD 0.00003.
gnomAD v4.1: 91 of 1,613,008 alleles (0.0056%); highest among the groups gnomAD compares: Non-Finnish European, 0.0068%; no homozygotes.

Submission:

Labcorp Genetics (formerly Invitae), Labcorp
Classification: Uncertain significance for Myoclonic dystonia 11. Last evaluated: 2025-06-23. Review status: criteria provided, single submitter. Criteria: Invitae Variant Classification Sherloc (09022015). Collection method: clinical testing. Allele origin: germline.
Comment: This sequence change replaces proline, which is neutral and non-polar, with leucine, which is neutral and non-polar, at codon 231 of the SGCE protein (p.Pro231Leu). This variant is present in population databases (rs755996611, gnomAD 0.003%). This missense change has been observed in individual(s) with dystonia (internal data). ClinVar contains an entry for this variant (Variation ID: 1055111). Invitae Evidence Modeling of protein sequence and biophysical properties (such as structural, functional, and spatial information, amino acid conservation, physicochemical variation, residue mobility, and thermodynamic stability) indicates that this missense variant is not expected to disrupt SGCE protein function with a negative predictive value of 80%. In summary, the available evidence is currently insufficient to determine the role of this variant in disease. Therefore, it has been classified as a Variant of Uncertain Significance.

NM_003919.3(SGCE):c.692C>T (p.Pro231Leu)

Genes: CASD1 (CAS1 domain sialic acid O acetyltransferase 1; plus strand), SGCE (sarcoglycan epsilon; minus strand). Cytogenetic location: 7q21.3.
Variant type: single nucleotide variant.
Coding change: c.692C>T on transcript NM_003919.3 (MANE Select); coding-DNA position 692, C replaced by T.
Protein change: p.Pro231Leu; replaces proline 231 with leucine.
Molecular consequence: missense variant.
Genome position (GRCh38, 1-based): chr7:94,603,423, G>A on the plus strand (C>T on the coding strand, the complement: SGCE is on the minus strand). VCF-style: chr7-94603423-G-A. GRCh37 (hg19) VCF-style: chr7-94232735-G-A.
Other names: c.800C>T, p.Pro267Leu (NM_001346715.2, NM_001346713.2); c.692C>T, p.Pro231Leu (NM_001346717.2, NM_001099400.2, NM_001099401.2); c.605C>T, p.Pro202Leu (NM_001346719.2, NM_001362807.2); c.419C>T, p.Pro140Leu (NM_001346720.2, NM_001362808.2); c.569C>T, p.Pro190Leu (NM_001362809.2, NM_001301139.2); short protein forms P140L, P190L, P202L, P231L, P267L.
Identifiers: ClinVar variation 1055111 (VCV001055111.9), dbSNP rs755996611, ClinGen allele CA4348737.
Genomic context (GRCh38, chr7:94,603,423, plus strand): 5'-TCTTGACTACATCTCAATTGATTCTGTGGATTTTCAACTTCTCGTAAACAAGAAGAAAAC[G>A]GGACATCTGCACCAACCATGACATAAACGCTGTAAAAATGTGAAACTCTCAGGTTATCCT-3'
Protein context (NP_003910.1, residues 221-241): GVYVMVGADV[Pro231Leu]FSSCLREVEN